The following is an entry in ClinVar:

ClinVar aggregate classification (germline): Uncertain significance (1 of 4 stars; one submission).

Conditions:
Dilated cardiomyopathy 1O (CMD1O). Also called: CARDIOMYOPATHY, DILATED, WITH VENTRICULAR TACHYCARDIA. Identifiers: Orphanet 154, MedGen C1837839, MONDO:0012062, OMIM 608569.

Submission:

Labcorp Genetics (formerly Invitae), Labcorp
Classification: Uncertain significance for Dilated cardiomyopathy 1O. Last evaluated: 2024-07-25. Review status: criteria provided, single submitter. Criteria: Invitae Variant Classification Sherloc (09022015). Collection method: clinical testing. Allele origin: germline.
Comment: This sequence change replaces glutamic acid, which is acidic and polar, with lysine, which is basic and polar, at codon 963 of the ABCC9 protein (p.Glu963Lys). This variant is not present in population databases (gnomAD no frequency). This variant has not been reported in the literature in individuals affected with ABCC9-related conditions. Advanced modeling of protein sequence and biophysical properties (such as structural, functional, and spatial information, amino acid conservation, physicochemical variation, residue mobility, and thermodynamic stability) has been performed at Invitae for this missense variant, however the output from this modeling did not meet the statistical confidence thresholds required to predict the impact of this variant on ABCC9 protein function. In summary, the available evidence is currently insufficient to determine the role of this variant in disease. Therefore, it has been classified as a Variant of Uncertain Significance.

NM_020297.4(ABCC9):c.2887G>A (p.Glu963Lys)

Gene: ABCC9 (ATP binding cassette subfamily C member 9; minus strand). Cytogenetic location: 12p12.1.
Variant type: single nucleotide variant.
Coding change: c.2887G>A on transcript NM_020297.4 (MANE Select); coding-DNA position 2887, G replaced by A.
Protein change: p.Glu963Lys; replaces glutamic acid 963 with lysine.
Molecular consequence: missense variant.
Genome position (GRCh38, 1-based): chr12:21,845,812, C>T on the plus strand (G>A on the coding strand, the complement: ABCC9 is on the minus strand). VCF-style: chr12-21845812-C-T. GRCh37 (hg19) VCF-style: chr12-21998746-C-T.
Other names: c.2887G>A, p.Glu963Lys (NM_001377273.1, NM_005691.4); c.2020G>A, p.Glu674Lys (NM_001377274.1); short protein forms E674K, E963K.
Identifiers: ClinVar variation 3603441 (VCV003603441.2).